The following is an entry in ClinVar:

ClinVar aggregate classification (germline): Uncertain significance (1 of 4 stars; one submission).

Conditions:
Inborn genetic diseases. Identifiers: MedGen C0950123, MeSH D030342.

Allele frequency attached by ClinVar (database versions not stated): TOPMed below 0.00001; ExAC 0.00002.

Submission:

Ambry Genetics
Classification: Uncertain significance for Inborn genetic diseases. Last evaluated: 2020-03-17. Review status: criteria provided, single submitter. Criteria: Ambry Variant Classification Scheme 2023. Collection method: clinical testing. Allele origin: germline.
Comment: The p.A224T variant (also known as c.670G>A), located in coding exon 6 of the SHANK3 gene, results from a G to A substitution at nucleotide position 670. The alanine at codon 224 is replaced by threonine, an amino acid with similar properties. This alteration has been detected once in a cohort of autism spectrum disorder individuals and once in a cohort of control cases (Durand CM et al. Nat. Genet., 2007 Jan;39:25-7; Gauthier J et al. Am. J. Med. Genet. B Neuropsychiatr. Genet., 2009 Apr;150B:421-4). This amino acid position is well conserved in available vertebrate species. Since supporting evidence is limited at this time, the clinical significance of this alteration remains unclear.

Literature cited by the submitters: PubMed 17173049; PubMed 18615476.

NM_001372044.2(SHANK3):c.895G>A (p.Ala299Thr)

Gene: SHANK3 (SH3 and multiple ankyrin repeat domains 3; plus strand). Cytogenetic location: 22q13.33.
Variant type: single nucleotide variant.
Coding change: c.895G>A on transcript NM_001372044.2 (MANE Select); coding-DNA position 895, G replaced by A.
Protein change: p.Ala299Thr; replaces alanine 299 with threonine.
Molecular consequence: missense variant.
Genome position (GRCh38, 1-based): chr22:50,679,088, G>A. VCF-style: chr22-50679088-G-A. GRCh37 (hg19) VCF-style: chr22-51117516-G-A.
Other names: c.670G>A, p.Ala224Thr (NM_033517.1); short protein forms A299T, A224T.
Identifiers: ClinVar variation 1755038 (VCV001755038.2), dbSNP rs766856815, ClinGen allele CA10325299.